The following is an entry in ClinVar:

NM_000090.4(COL3A1):c.748A>G (p.Ile250Val)

Gene: COL3A1 (collagen type III alpha 1 chain; plus strand). Cytogenetic location: 2q32.2.
Variant type: single nucleotide variant.
Coding change: c.748A>G on transcript NM_000090.4 (MANE Select); coding-DNA position 748, A replaced by G.
Protein change: p.Ile250Val; replaces isoleucine 250 with valine.
Molecular consequence: missense variant.
Genome position (GRCh38, 1-based): chr2:188,990,310, A>G. VCF-style: chr2-188990310-A-G. GRCh37 (hg19) VCF-style: chr2-189855036-A-G.
Other names: short protein forms I250V.
Identifiers: ClinVar variation 1179263 (VCV001179263.2), dbSNP rs2153501971, ClinGen allele CA349849121.
Genomic context (GRCh38, chr2:188,990,310, plus strand): 5'-ACTAGATTGTGATTCTATTTGAAGGTTCATTAATATTTTTTCATTCATTATTTTTAGGGT[A>G]TCAAAGGTCCAGCTGGGATACCTGGATTCCCTGGTATGAAAGGACACAGAGTAAGTAGAG-3'
Protein context (NP_000081.2, residues 240-260): GERGLPGPPG[Ile250Val]KGPAGIPGFP

ClinVar aggregate classification (germline): Uncertain significance (1 of 4 stars; one submission).

Submission:

GeneDx
Classification: Uncertain significance. Last evaluated: 2019-12-16. Review status: criteria provided, single submitter. Criteria: GeneDx Variant Classification Process June 2021. Collection method: clinical testing. Allele origin: germline. Affected: yes.
Comment: Not observed in large population cohorts (Lek et al., 2016); In silico analysis, which includes protein predictors and evolutionary conservation, supports that this variant does not alter protein structure/function; Has not been previously published as pathogenic or benign to our knowledge